The following is an entry in ClinVar:

NM_004606.5(TAF1):c.952G>A (p.Val318Met)

Gene: TAF1 (TATA-box binding protein associated factor 1; plus strand). Cytogenetic location: Xq13.1.
Variant type: single nucleotide variant.
Coding change: c.952G>A on transcript NM_004606.5 (MANE Select); coding-DNA position 952, G replaced by A.
Protein change: p.Val318Met; replaces valine 318 with methionine.
Molecular consequence: missense variant. On other transcripts: non-coding transcript variant (9).
Genome position (GRCh38, 1-based): chrX:71,378,253, G>A. VCF-style: chrX-71378253-G-A. GRCh37 (hg19) VCF-style: chrX-70598103-G-A.
Other names: c.952G>A, p.Val318Met (NM_001286074.2); c.889G>A, p.Val297Met (NM_138923.4); short protein forms V297M, V318M.
Identifiers: ClinVar variation 2959608 (VCV002959608.11), dbSNP rs2520149086, ClinGen allele CA413508432.

ClinVar aggregate classification (germline): Uncertain significance. Review status: criteria provided, multiple submitters, no conflicts (2 of 4 stars). 2 submissions from 2 submitters: Uncertain significance (2). Last evaluated 2025-07-01.

Submissions (2):

CeGaT Center for Human Genetics Tuebingen
Classification: Uncertain significance. Last evaluated: 2025-07-01. Review status: criteria provided, single submitter. Criteria: CeGaT Center For Human Genetics Tuebingen Variant Classification Criteria Version 2. Collection method: clinical testing. Allele origin: germline. Affected: yes. Observed: 1 variant allele.
Comment: TAF1: PM2

Labcorp Genetics (formerly Invitae), Labcorp
Classification: Uncertain significance. Last evaluated: 2022-12-31. Review status: criteria provided, single submitter. Criteria: Invitae Variant Classification Sherloc (09022015). Collection method: clinical testing. Allele origin: germline.
Comment: In summary, the available evidence is currently insufficient to determine the role of this variant in disease. Therefore, it has been classified as a Variant of Uncertain Significance. Advanced modeling of protein sequence and biophysical properties (such as structural, functional, and spatial information, amino acid conservation, physicochemical variation, residue mobility, and thermodynamic stability) performed at Invitae indicates that this missense variant is not expected to disrupt TAF1 protein function. This variant has not been reported in the literature in individuals affected with TAF1-related conditions. This variant is not present in population databases (gnomAD no frequency). This sequence change replaces valine, which is neutral and non-polar, with methionine, which is neutral and non-polar, at codon 338 of the TAF1 protein (p.Val338Met).